The following is an entry in ClinVar:

NM_001366145.2(TRPM3):c.3156G>A (p.Leu1052=)

Gene: TRPM3 (transient receptor potential cation channel subfamily M member 3; minus strand). Cytogenetic location: 9q21.12.
Variant type: single nucleotide variant.
Coding change: c.3156G>A on transcript NM_001366145.2 (MANE Select); coding-DNA position 3156, G replaced by A.
Protein change: p.Leu1052=; no amino-acid change (leucine 1052 retained).
Molecular consequence: synonymous variant.
Genome position (GRCh38, 1-based): chr9:70,591,098, C>T on the plus strand (G>A on the coding strand, the complement: TRPM3 is on the minus strand). VCF-style: chr9-70591098-C-T. GRCh37 (hg19) VCF-style: chr9-73206014-C-T.
Other names: c.2706G>A, p.Leu902= (NM_206947.5); c.3120G>A, p.Leu1040= (NM_001007471.4, NM_001366151.2); c.3126G>A, p.Leu1042= (NM_001366141.2, NM_001366143.2, NM_001366149.2); c.3162G>A, p.Leu1054= (NM_001366142.2); c.3156G>A, p.Leu1052= (NM_001366146.2); c.3231G>A, p.Leu1077= (NM_001366147.2, NM_001366152.2); c.3201G>A, p.Leu1067= (NM_001366148.2); c.3090G>A, p.Leu1030= (NM_001366150.2); and 5 more.
Identifiers: ClinVar variation 3044953 (VCV003044953.2), dbSNP rs12337271, ClinGen allele CA5078124.

ClinVar aggregate classification (germline): Benign (0 of 4 stars; one submission).

Conditions:
TRPM3-related disorder. Also called: TRPM3-related condition.

Allele frequency attached by ClinVar (database versions not stated): gnomAD exomes 0.00081; ExAC 0.00260; gnomAD 0.00887; 1000 Genomes Project 0.00899; 1000 Genomes Project 30x 0.00968; ESP Exome Variant Server 0.01000; TOPMed 0.01034.
gnomAD v4.1: 2,561 of 1,614,152 alleles (0.16%); highest among the groups gnomAD compares: African/African-American, 3%; 39 homozygotes.

Submission:

PreventionGenetics, part of Exact Sciences
Classification: Benign for TRPM3-related condition. Last evaluated: 2019-04-04. Review status: no assertion criteria provided. Collection method: clinical testing. Allele origin: germline.
Comment: This variant is classified as benign based on ACMG/AMP sequence variant interpretation guidelines (Richards et al. 2015 PMID: 25741868, with internal and published modifications).